The following is an entry in ClinVar:

NM_003242.6(TGFBR2):c.1254+5G>A

Gene: TGFBR2 (transforming growth factor beta receptor 2; plus strand). Cytogenetic location: 3p24.1.
Variant type: single nucleotide variant.
Coding change: c.1254+5G>A on transcript NM_003242.6 (MANE Select); 5 bases into the intron after coding-DNA position 1254, G replaced by A.
Molecular consequence: intron variant.
Genome position (GRCh38, 1-based): chr3:30,672,442, G>A. VCF-style: chr3-30672442-G-A. GRCh37 (hg19) VCF-style: chr3-30713934-G-A.
Other names: c.1257+5G>A (NM_001407129.1); c.1149+5G>A (NM_001407132.1, NM_001407136.1, NM_001407133.1 and 2 more transcripts); c.1437+5G>A (NM_001407126.1); c.1329+5G>A (NM_001024847.3); c.530-15945G>A (NM_001407139.1); c.969+5G>A (NM_001407137.1); c.1362+5G>A (NM_001407127.1); c.1254+5G>A (NM_001407130.1); and 2 more.
Identifiers: ClinVar variation 2015924 (VCV002015924.4), dbSNP rs2470564455, ClinGen allele CA2580069265.
Genomic context (GRCh38, chr3:30,672,442, plus strand): 5'-TTTCCCTGCGTCTGGACCCTACTCTGTCTGTGGATGACCTGGCTAACAGTGGGCAGGTAA[G>A]TTAGAGCTAGTGCTAGATCCCCTTTACCTTGAGCCTGGCCTCACCCTACCTCTTGATCCA-3'

ClinVar aggregate classification (germline): Uncertain significance (1 of 4 stars; one submission).

Conditions:
Familial thoracic aortic aneurysm and aortic dissection (TAAD). Also called: Thoracic aortic aneurysms and dissections. Identifiers: Orphanet 91387, MedGen C4707243, MONDO:0019625.

Submission:

Labcorp Genetics (formerly Invitae), Labcorp
Classification: Uncertain significance for Familial thoracic aortic aneurysm and aortic dissection. Last evaluated: 2022-07-11. Review status: criteria provided, single submitter. Criteria: Invitae Variant Classification Sherloc (09022015). Collection method: clinical testing. Allele origin: germline.
Comment: Variants that disrupt the consensus splice site are a relatively common cause of aberrant splicing (PMID: 17576681, 9536098). Algorithms developed to predict the effect of sequence changes on RNA splicing suggest that this variant is not likely to affect RNA splicing. This variant has not been reported in the literature in individuals affected with TGFBR2-related conditions. This variant is not present in population databases (gnomAD no frequency). This sequence change falls in intron 4 of the TGFBR2 gene. It does not directly change the encoded amino acid sequence of the TGFBR2 protein. It affects a nucleotide within the consensus splice site. In summary, the available evidence is currently insufficient to determine the role of this variant in disease. Therefore, it has been classified as a Variant of Uncertain Significance.

Literature cited by the submitters: PubMed 17576681; PubMed 9536098.